The following is an entry in ClinVar:

ClinVar aggregate classification (germline): Uncertain significance (1 of 4 stars; one submission).

Allele frequency attached by ClinVar (database versions not stated): gnomAD 0.00002; gnomAD exomes 0.00002; TOPMed 0.00002; ExAC 0.00004.
gnomAD v4.1: 35 of 1,614,080 alleles (0.0022%); highest among the groups gnomAD compares: Middle Eastern, 0.016%; no homozygotes.

Submission:

Labcorp Genetics (formerly Invitae), Labcorp
Classification: Uncertain significance. Last evaluated: 2023-03-01. Review status: criteria provided, single submitter. Criteria: Invitae Variant Classification Sherloc (09022015). Collection method: clinical testing. Allele origin: germline.
Comment: In summary, the available evidence is currently insufficient to determine the role of this variant in disease. Therefore, it has been classified as a Variant of Uncertain Significance. Advanced modeling of protein sequence and biophysical properties (such as structural, functional, and spatial information, amino acid conservation, physicochemical variation, residue mobility, and thermodynamic stability) performed at Invitae indicates that this missense variant is not expected to disrupt TECTA protein function. This sequence change replaces valine, which is neutral and non-polar, with isoleucine, which is neutral and non-polar, at codon 1413 of the TECTA protein (p.Val1413Ile). This variant is present in population databases (rs753876301, gnomAD 0.01%). This variant has not been reported in the literature in individuals affected with TECTA-related conditions.

NM_005422.4(TECTA):c.4237G>A (p.Val1413Ile)

Genes: TBCEL-TECTA (TBCEL-TECTA readthrough; plus strand), TECTA (tectorin alpha; plus strand). Cytogenetic location: 11q23.3.
Variant type: single nucleotide variant.
Coding change: c.4237G>A on transcript NM_005422.4 (MANE Select); coding-DNA position 4237, G replaced by A.
Protein change: p.Val1413Ile; replaces valine 1413 with isoleucine.
Molecular consequence: missense variant.
Genome position (GRCh38, 1-based): chr11:121,153,012, G>A. VCF-style: chr11-121153012-G-A. GRCh37 (hg19) VCF-style: chr11-121023721-G-A.
Other names: c.5194G>A, p.Val1732Ile (NM_001378761.1); short protein forms V1732I, V1413I.
Identifiers: ClinVar variation 2711920 (VCV002711920.3), dbSNP rs753876301, ClinGen allele CA6327396.